The following is an entry in ClinVar:

NM_000321.3(RB1):c.1499-10T>C

Gene: RB1 (RB transcriptional corepressor 1; plus strand). Cytogenetic location: 13q14.2.
Variant type: single nucleotide variant.
Coding change: c.1499-10T>C on transcript NM_000321.3 (MANE Select); 10 bases into the intron before coding-DNA position 1499, T replaced by C.
Molecular consequence: intron variant.
Genome position (GRCh38, 1-based): chr13:48,381,237, T>C. VCF-style: chr13-48381237-T-C. GRCh37 (hg19) VCF-style: chr13-48955373-T-C.
Identifiers: ClinVar variation 1092040 (VCV001092040.10), dbSNP rs778605641, ClinGen allele CA028997.

ClinVar aggregate classification (germline): Likely benign. Review status: criteria provided, multiple submitters, no conflicts (2 of 4 stars). 2 submissions from 2 submitters: Likely benign (2). Last evaluated 2026-06-18.

Conditions:
Retinoblastoma (RB1). Also called: RETINOBLASTOMA, SOMATIC. Identifiers: Orphanet 790, MedGen C0035335, MeSH D012175, MONDO:0008380, OMIM 180200, HP:0009919. Disease mechanism: loss of function. Inheritance: Both sporadic and heritable forms are tested..

Allele frequency attached by ClinVar (database versions not stated): gnomAD exomes 0.00001 and below 0.00001; ExAC 0.00001.
gnomAD v4.1: 4 of 1,593,208 alleles (0.00025%); highest among the groups gnomAD compares: South Asian, 0.0023%; no homozygotes.

Submissions (2):

Myriad Genetics, Inc.
Classification: Likely benign for Retinoblastoma. Last evaluated: 2026-06-18. Review status: criteria provided, single submitter. Criteria: Myriad Autosomal Dominant, Autosomal Recessive and X-Linked Classification Criteria (2023). Collection method: clinical testing. Allele origin: unknown.
Comment: This variant is considered likely benign. This variant is intronic and is not expected to impact mRNA splicing.

Labcorp Genetics (formerly Invitae), Labcorp
Classification: Likely benign for Retinoblastoma. Last evaluated: 2025-05-05. Review status: criteria provided, single submitter. Criteria: Invitae Variant Classification Sherloc (09022015). Collection method: clinical testing. Allele origin: germline.